The following is an entry in ClinVar:

ClinVar aggregate classification (germline): Likely benign (1 of 4 stars; one submission).

Conditions:
Angelman syndrome (AS). Also called: HAPPY PUPPET SYNDROME. Identifiers: Orphanet 72, MedGen C0162635, MONDO:0007113, OMIM 105830. Disease mechanism: loss of function. Inheritance: AS is caused by disruption of maternally imprinted UBE3A located within the 15q11.2-q13 Angelman syndrome/Prader-Willi syndrome (AS/PWS) region., imprinting disorder.

Submission:

Centre for Medical Genetics,  Mumbai
Classification: Likely benign for Angelman syndrome. Last evaluated: 2026-05-09. Review status: criteria provided, single submitter. Criteria: ACMG Guidelines, 2015. Collection method: provider interpretation. Allele origin: germline. Inheritance: Autosomal dominant inheritance. Affected: no. Observed: 1 variant allele, 1 heterozygote.
Comment: The variant satisfies PM2 criteria - extremely low frequency in gnomAD population databases. The variant satisfies PP2 criteria - missense variant in a gene with low rate of benign missense mutations and for which missense mutation is a common mechanism of a disease. The variant satisfies BP4 criteria - for a missense or a splice region variant, computational prediction tools unanimously support a benign effect on the gene. However, the variant satisfies BS2 criteria - present in heterozygous state in an individual that clinically does not have Angelman syndrome.

Literature cited by the submitters: PubMed 8988171.

NM_130839.5(UBE3A):c.322A>G (p.Ile108Val)

Genes: SNHG14 (small nucleolar RNA host gene 14; plus strand), UBE3A (ubiquitin protein ligase E3A; minus strand). Cytogenetic location: 15q11.2.
Variant type: single nucleotide variant.
Coding change: c.322A>G on transcript NM_130839.5 (MANE Select); coding-DNA position 322, A replaced by G.
Protein change: p.Ile108Val; replaces isoleucine 108 with valine.
Molecular consequence: missense variant. On other transcripts: non-coding transcript variant (1).
Genome position (GRCh38, 1-based): chr15:25,375,504, T>C on the plus strand (A>G on the coding strand, the complement: UBE3A is on the minus strand). VCF-style: chr15-25375504-T-C. GRCh37 (hg19) VCF-style: chr15-25620651-T-C.
Other names: c.262A>G, p.Ile88Val (NM_001354543.2, NM_001354544.2, NM_001354547.2 and 18 more transcripts); c.322A>G, p.Ile108Val (NM_001354545.2, NM_001354550.2, NM_001354505.1 and 1 more transcripts); c.145A>G, p.Ile49Val (NM_001354546.2); c.331A>G, p.Ile111Val (NM_000462.5); short protein forms I108V, I111V, I49V, I88V.
Identifiers: ClinVar variation 5036676 (VCV005036676.1).